The following is an entry in ClinVar:

NM_000066.4(C8B):c.187A>G (p.Ile63Val)

Gene: C8B (complement C8 beta chain; minus strand). Cytogenetic location: 1p32.2.
Variant type: single nucleotide variant.
Coding change: c.187A>G on transcript NM_000066.4 (MANE Select); coding-DNA position 187, A replaced by G.
Protein change: p.Ile63Val; replaces isoleucine 63 with valine.
Molecular consequence: missense variant. On other transcripts: 5 prime UTR variant (1).
Genome position (GRCh38, 1-based): chr1:56,960,082, T>C on the plus strand (A>G on the coding strand, the complement: C8B is on the minus strand). VCF-style: chr1-56960082-T-C. GRCh37 (hg19) VCF-style: chr1-57425755-T-C.
Other names: c.31A>G, p.Ile11Val (NM_001278543.2); c.-129A>G (NM_001278544.2); c.187A>G (NM_000066.2); short protein forms I11V, I63V.
Identifiers: ClinVar variation 1516804 (VCV001516804.8), dbSNP rs370368238, ClinGen allele CA876078.
Genomic context (GRCh38, chr1:56,960,082, plus strand): 5'-TTTTCTTCTGACAGGGGTCACATGTGGTCCAAGAGGACCAACTAGACAGCTCACAATCAA[T>C]GGGCATCAGGGTAACATCCACACTCCGCATCTGTCTGCTCTTAGCAAAGCTCTTGTTGAC-3'
Protein context (NP_000057.3, residues 53-73): MRSVDVTLMP[Ile63Val]DCELSSWSSW

ClinVar aggregate classification (germline): Uncertain significance. Review status: criteria provided, multiple submitters, no conflicts (2 of 4 stars). 2 submissions from 2 submitters: Uncertain significance (2). Last evaluated 2025-04-25.

Conditions:
Inborn genetic diseases. Identifiers: MedGen C0950123, MeSH D030342.

Allele frequency attached by ClinVar (database versions not stated): gnomAD exomes 0.00002 and below 0.00001; ESP Exome Variant Server 0.00008; gnomAD 0.00002; TOPMed 0.00002; ExAC 0.00002.
gnomAD v4.1: 7 of 1,614,000 alleles (0.00043%); highest among the groups gnomAD compares: Admixed American, 0.0017%; no homozygotes.

Submissions (2):

Ambry Genetics
Classification: Uncertain significance for Inborn genetic diseases. Last evaluated: 2025-04-25. Review status: criteria provided, single submitter. Criteria: Ambry Variant Classification Scheme 2023. Collection method: clinical testing. Allele origin: germline.

Labcorp Genetics (formerly Invitae), Labcorp
Classification: Uncertain significance. Last evaluated: 2024-10-16. Review status: criteria provided, single submitter. Criteria: Invitae Variant Classification Sherloc (09022015). Collection method: clinical testing. Allele origin: germline.
Comment: This sequence change replaces isoleucine, which is neutral and non-polar, with valine, which is neutral and non-polar, at codon 63 of the C8B protein (p.Ile63Val). This variant is present in population databases (rs370368238, gnomAD 0.005%). This variant has not been reported in the literature in individuals affected with C8B-related conditions. ClinVar contains an entry for this variant (Variation ID: 1516804). An algorithm developed to predict the effect of missense changes on protein structure and function outputs the following: PolyPhen-2: "Benign". The valine amino acid residue is found in multiple mammalian species, which suggests that this missense change does not adversely affect protein function. In summary, the available evidence is currently insufficient to determine the role of this variant in disease. Therefore, it has been classified as a Variant of Uncertain Significance.